The following is an entry in ClinVar:

NM_000051.4(ATM):c.2223dup (p.Lys742Ter)

Gene: ATM (ATM serine/threonine kinase; plus strand). Cytogenetic location: 11q22.3.
Variant type: Duplication.
Coding change: c.2223dup on transcript NM_000051.4 (MANE Select); coding-DNA position 2223, one base duplicated (T; older notation c.2223dupT).
Protein change: p.Lys742Ter; replaces lysine 742 with a stop codon.
Molecular consequence: nonsense.
Genome position (GRCh38, 1-based): chr11:108,256,313, T duplicated. VCF-style (leftmost placement, unchanged base first): chr11-108256312-A-AT. GRCh37 (hg19) VCF-style: chr11-108127039-A-AT.
Other names: c.2223dupT (NM_000051.3); c.2223dup, p.Lys742Ter (NM_001351834.2); short protein forms K742*.
Identifiers: ClinVar variation 4281390 (VCV004281390.7).

ClinVar aggregate classification (germline): Pathogenic. Review status: criteria provided, multiple submitters, no conflicts (2 of 4 stars). 2 submissions from 2 submitters: Pathogenic (2). Last evaluated 2025-12-01.

Conditions:
Hereditary cancer-predisposing syndrome. Also called: Neoplastic Syndromes, Hereditary; Tumor predisposition; Hereditary neoplastic syndrome; Hereditary Cancer Syndrome. Identifiers: Orphanet 140162, MedGen C0027672, MeSH D009386, MONDO:0015356.

Submissions (2):

Ambry Genetics
Classification: Pathogenic for Hereditary cancer-predisposing syndrome. Last evaluated: 2025-12-01. Review status: criteria provided, single submitter. Criteria: Ambry Variant Classification Scheme 2023. Collection method: clinical testing. Allele origin: germline.
Comment: The c.2223dupT pathogenic mutation, located in coding exon 13 of the ATM gene, results from a duplication of T at nucleotide position 2223, causing a translational frameshift with a predicted alternate stop codon (p.K742*). This variant is considered to be rare based on population cohorts in the Genome Aggregation Database (gnomAD). This alteration is expected to result in loss of function by premature protein truncation or nonsense-mediated mRNA decay. As such, this alteration is interpreted as a disease-causing mutation.

CeGaT Center for Human Genetics Tuebingen
Classification: Pathogenic. Last evaluated: 2025-09-01. Review status: criteria provided, single submitter. Criteria: CeGaT Center For Human Genetics Tuebingen Variant Classification Criteria Version 2. Collection method: clinical testing. Allele origin: germline. Affected: yes. Observed: 1 variant allele.
Comment: ATM: PVS1, PM2